The following is an entry in ClinVar:

NM_004360.5(CDH1):c.531+10G>T

Gene: CDH1 (cadherin 1; plus strand). Cytogenetic location: 16q22.1.
Variant type: single nucleotide variant.
Coding change: c.531+10G>T on transcript NM_004360.5 (MANE Select); 10 bases into the intron after coding-DNA position 531, G replaced by T.
Molecular consequence: intron variant.
Genome position (GRCh38, 1-based): chr16:68,808,577, G>T. VCF-style: chr16-68808577-G-T. GRCh37 (hg19) VCF-style: chr16-68842480-G-T.
Other names: c.-1085+10G>T (NM_001317185.2); c.-1289+10G>T (NM_001317186.2); c.531+10G>T (NM_001317184.2).
Identifiers: ClinVar variation 1118840 (VCV001118840.10), dbSNP rs33963999, ClinGen allele CA2499223642.
Genomic context (GRCh38, chr16:68,808,577, plus strand): 5'-ATCAGCTGCCCAGAAAATGAAAAAGGCCCATTTCCTAAAAACCTGGTTCAGGTAGAGAAA[G>T]AAGTTCTCTGTTTCTCTGGGAGGGATTTGGCAGAGAAGTACCAAGGAGAGAAAGGGAAAA-3'

ClinVar aggregate classification (germline): Likely benign. Review status: criteria provided, multiple submitters, no conflicts (2 of 4 stars). 2 submissions from 2 submitters: Likely benign (2). Last evaluated 2024-09-13.

Conditions:
Hereditary diffuse gastric adenocarcinoma (HDGC). Also called: DIFFUSE GASTRIC AND LOBULAR BREAST CANCER SYNDROME. Identifiers: Orphanet 26106, MedGen C1708349, MONDO:0007648, OMIM 137215.

Submissions (2):

Myriad Genetics, Inc.
Classification: Likely benign for Hereditary diffuse gastric adenocarcinoma. Last evaluated: 2024-09-13. Review status: criteria provided, single submitter. Criteria: Myriad Autosomal Dominant, Autosomal Recessive and X-Linked Classification Criteria (2023). Collection method: clinical testing. Allele origin: unknown.
Comment: This variant is considered likely benign. This variant is intronic and is not expected to impact mRNA splicing.

Labcorp Genetics (formerly Invitae), Labcorp
Classification: Likely benign for Hereditary diffuse gastric adenocarcinoma. Last evaluated: 2022-03-08. Review status: criteria provided, single submitter. Criteria: Invitae Variant Classification Sherloc (09022015). Collection method: clinical testing. Allele origin: germline.